The following is an entry in ClinVar:

ClinVar aggregate classification (germline): Uncertain significance. Review status: criteria provided, multiple submitters, no conflicts (2 of 4 stars). 2 submissions from 2 submitters: Uncertain significance (2). Last evaluated 2024-12-02.

Conditions:
Asphyxiating thoracic dystrophy 4 (SRTD4). Also called: SHORT-RIB THORACIC DYSPLASIA 4; SHORT-RIB THORACIC DYSPLASIA 4 WITH OR WITHOUT POLYDACTYLY. Identifiers: Orphanet 474, MedGen C3151185, MONDO:0013441, OMIM 613819.
Nephronophthisis 12 (NPHP12). Identifiers: Orphanet 655, MedGen C3151186, MONDO:0013442, OMIM 613820.
Jeune thoracic dystrophy. Also called: Jeune syndrome; Infantile thoracic dystrophy; Thoracic pelvic phalangeal dystrophy; Jeune's syndrome; Chondroectodermal dysplasia-like syndrome; Short-rib thoracic dysplasia. Identifiers: Orphanet 474, MedGen C0265275, MONDO:0018770.
Nephronophthisis. Also called: Juvenile Nephronophthisis. Identifiers: Orphanet 655, MedGen C0687120, MONDO:0019005, HP:0000090.

gnomAD v4.1: 2 of 1,611,580 alleles (0.00012%); highest among the groups gnomAD compares: Admixed American, 0.0033%; no homozygotes.

Submissions (2):

Labcorp Genetics (formerly Invitae), Labcorp
Classification: Uncertain significance for Jeune thoracic dystrophy; Nephronophthisis. Last evaluated: 2024-12-02. Review status: criteria provided, single submitter. Criteria: Invitae Variant Classification Sherloc (09022015). Collection method: clinical testing. Allele origin: germline.
Comment: This sequence change replaces methionine, which is neutral and non-polar, with leucine, which is neutral and non-polar, at codon 962 of the TTC21B protein (p.Met962Leu). This variant is not present in population databases (gnomAD no frequency). This variant has not been reported in the literature in individuals affected with TTC21B-related conditions. ClinVar contains an entry for this variant (Variation ID: 1481180). Invitae Evidence Modeling of protein sequence and biophysical properties (such as structural, functional, and spatial information, amino acid conservation, physicochemical variation, residue mobility, and thermodynamic stability) indicates that this missense variant is not expected to disrupt TTC21B protein function with a negative predictive value of 95%. In summary, the available evidence is currently insufficient to determine the role of this variant in disease. Therefore, it has been classified as a Variant of Uncertain Significance.

Fulgent Genetics
Classification: Uncertain significance for Asphyxiating thoracic dystrophy 4; Nephronophthisis 12. Last evaluated: 2022-05-18. Review status: criteria provided, single submitter. Criteria: ACMG Guidelines, 2015. Collection method: clinical testing. Allele origin: unknown.

NM_024753.5(TTC21B):c.2884A>T (p.Met962Leu)

Gene: TTC21B (tetratricopeptide repeat domain 21B; minus strand). Cytogenetic location: 2q24.3.
Variant type: single nucleotide variant.
Coding change: c.2884A>T on transcript NM_024753.5 (MANE Select); coding-DNA position 2884, A replaced by T.
Protein change: p.Met962Leu; replaces methionine 962 with leucine.
Molecular consequence: missense variant.
Genome position (GRCh38, 1-based): chr2:165,898,752, T>A on the plus strand (A>T on the coding strand, the complement: TTC21B is on the minus strand). VCF-style: chr2-165898752-T-A. GRCh37 (hg19) VCF-style: chr2-166755262-T-A.
Other names: short protein forms M962L.
Identifiers: ClinVar variation 1481180 (VCV001481180.5), dbSNP rs1010771919, ClinGen allele CA59784559.
Genomic context (GRCh38, chr2:165,898,752, plus strand): 5'-TACGTTCTAAAAGCTGCTGTAAATGAAACACTGCTTGTTCATAGTCTTGTTTTCTGAACA[T>A]GAGATCAGCCATCATCTATAAAGATAAAAGTTGGTTCTAAAAATATTGCCATGTATTTTA-3'
Protein context (NP_079029.3, residues 952-972): EAATMMMADL[Met962Leu]FRKQDYEQAV